The following is an entry in ClinVar:

ClinVar aggregate classification (germline): Uncertain significance (1 of 4 stars; one submission).

Submission:

GeneDx
Classification: Uncertain significance. Last evaluated: 2020-06-25. Review status: criteria provided, single submitter. Criteria: GeneDx Variant Classification Process June 2021. Collection method: clinical testing. Allele origin: germline. Affected: yes.
Comment: Not observed in large population cohorts (Lek et al., 2016); In silico analysis supports that this missense variant does not alter protein structure/function; Has not been previously published as pathogenic or benign to our knowledge

NM_001257291.2(SLC9A7):c.409A>G (p.Arg137Gly)

Gene: SLC9A7 (solute carrier family 9 member A7; minus strand). Cytogenetic location: Xp11.3.
Variant type: single nucleotide variant.
Coding change: c.409A>G on transcript NM_001257291.2 (MANE Select); coding-DNA position 409, A replaced by G.
Protein change: p.Arg137Gly; replaces arginine 137 with glycine.
Molecular consequence: missense variant.
Genome position (GRCh38, 1-based): chrX:46,682,452, T>C on the plus strand (A>G on the coding strand, the complement: SLC9A7 is on the minus strand). VCF-style: chrX-46682452-T-C. GRCh37 (hg19) VCF-style: chrX-46541887-T-C.
Other names: c.409A>G, p.Arg137Gly (NM_032591.3); short protein forms R137G.
Identifiers: ClinVar variation 1312777 (VCV001312777.2), dbSNP rs2146870535, ClinGen allele CA413034234.